The following is an entry in ClinVar:

ClinVar aggregate classification (germline): Likely pathogenic (1 of 4 stars; one submission).

Conditions:
Neuromuscular disease caused by qualitative or quantitative defects of dystrophin. Also called: Qualitative or quantitative defects of dystrophin. Identifiers: Orphanet 207085, MedGen C5679787, MONDO:0016147.

Submission:

Women's Health and Genetics/Laboratory Corporation of America, LabCorp
Classification: Likely pathogenic for Neuromuscular disease caused by qualitative or quantitative defects of dystrophin. Last evaluated: 2026-02-26. Review status: criteria provided, single submitter. Criteria: LabCorp Variant Classification Summary - May 2015. Collection method: clinical testing. Allele origin: germline.
Comment: Variant summary: DMD c.960+1delG is located in a canonical splice-site and is predicted to affect mRNA splicing resulting in a significantly altered protein due to either exon skipping, shortening, or inclusion of intronic material. Variants that disrupt the consensus splice site are a relatively common cause of aberrant splicing and loss of DMD function. Several computational tools predict a significant impact on normal splicing: Four predict the variant abolishes the caonical 5' splicing donor site. However, these predictions have yet to be confirmed by functional studies. The variant was absent in 181773 control chromosomes. To our knowledge, no occurrence of c.960+1delG in individuals affected with DMD-related conditions and no experimental evidence demonstrating its impact on protein function have been reported. c.960+2T>G affecting the same canonical splice site has been evaluated Likely Pathogenic at our lab. No submitters have cited clinical-significance assessments for this variant to ClinVar. Based on the evidence outlined above, the variant was classified as likely pathogenic.

NM_004006.3(DMD):c.960+1del

Gene: DMD (dystrophin; minus strand). Cytogenetic location: Xp21.1.
Variant type: Deletion.
Coding change: c.960+1del on transcript NM_004006.3 (MANE Select); the canonical splice donor site of the intron after coding-DNA position 960, one base deleted (G; older notation c.960+1delG).
Molecular consequence: splice donor variant.
Genome position (GRCh38, 1-based): chrX:32,697,869, C deleted on the plus strand (G on the coding strand, the reverse complement: DMD is on the minus strand); the first of 2 consecutive C bases (chrX:32,697,869-32,697,870); deleting either gives the same sequence. VCF-style (leftmost placement, unchanged base first): chrX-32697868-AC-A. GRCh37 (hg19) VCF-style: chrX-32715985-AC-A.
Other names: c.960+1delG (NM_004006.3); c.936+1del (NM_000109.4); c.948+1del (NM_004009.3); c.591+1del (NM_004010.3).
Identifiers: ClinVar variation 4847799 (VCV004847799.1).
Genomic context (GRCh38, chrX:32,697,868, plus strand): 5'-GTGTTAGATTATCTTGGAAGCAGTTCTCTGGTTTGTACAACAGAGAGTAAATGTTGACAG[AC>A]CTGTGAAGGAAATGGGCTCCGTGTAGGGTCAGAGGTGGTGACATAAGCAGCCTGTGTGTA-3'